The following is an entry in ClinVar:

NM_001378969.1(KCND3):c.1535A>C (p.Asp512Ala)

Gene: KCND3 (potassium voltage-gated channel subfamily D member 3; minus strand). Cytogenetic location: 1p13.2.
Variant type: single nucleotide variant.
Coding change: c.1535A>C on transcript NM_001378969.1 (MANE Select); coding-DNA position 1535, A replaced by C.
Protein change: p.Asp512Ala; replaces aspartic acid 512 with alanine.
Molecular consequence: missense variant.
Genome position (GRCh38, 1-based): chr1:111,777,257, T>G on the plus strand (A>C on the coding strand, the complement: KCND3 is on the minus strand). VCF-style: chr1-111777257-T-G. GRCh37 (hg19) VCF-style: chr1-112319879-T-G.
Other names: c.1478A>C, p.Asp493Ala (NM_001378970.1, NM_172198.3); c.1535A>C, p.Asp512Ala (NM_004980.5); short protein forms D493A, D512A.
Identifiers: ClinVar variation 1382415 (VCV001382415.10), dbSNP rs1664166577, ClinGen allele CA341657390.

ClinVar aggregate classification (germline): Uncertain significance. Review status: criteria provided, multiple submitters, no conflicts (2 of 4 stars). 2 submissions from 2 submitters: Uncertain significance (2). Last evaluated 2025-03-24.

Conditions:
Spinocerebellar ataxia type 19/22 (SCA19). Also called: SPINOCEREBELLAR ATAXIA 22; SPINOCEREBELLAR ATAXIA 19. Identifiers: Orphanet 98772, MedGen C1846367, MONDO:0011819, OMIM 607346.
Cardiovascular phenotype. Identifiers: MedGen CN230736.

gnomAD v4.1: 5 of 1,614,128 alleles (0.00031%); highest among the groups gnomAD compares: Middle Eastern, 0.017%; no homozygotes.

Submissions (2):

Labcorp Genetics (formerly Invitae), Labcorp
Classification: Uncertain significance for Spinocerebellar ataxia type 19/22. Last evaluated: 2025-03-24. Review status: criteria provided, single submitter. Criteria: Invitae Variant Classification Sherloc (09022015). Collection method: clinical testing. Allele origin: germline.
Comment: This sequence change replaces aspartic acid, which is acidic and polar, with alanine, which is neutral and non-polar, at codon 512 of the KCND3 protein (p.Asp512Ala). This variant is not present in population databases (gnomAD no frequency). This variant has not been reported in the literature in individuals affected with KCND3-related conditions. ClinVar contains an entry for this variant (Variation ID: 1382415). Invitae Evidence Modeling of protein sequence and biophysical properties (such as structural, functional, and spatial information, amino acid conservation, physicochemical variation, residue mobility, and thermodynamic stability) indicates that this missense variant is not expected to disrupt KCND3 protein function with a negative predictive value of 95%. In summary, the available evidence is currently insufficient to determine the role of this variant in disease. Therefore, it has been classified as a Variant of Uncertain Significance.

Ambry Genetics
Classification: Uncertain significance for Cardiovascular phenotype. Last evaluated: 2021-03-08. Review status: criteria provided, single submitter. Criteria: Ambry Variant Classification Scheme 2023. Collection method: clinical testing. Allele origin: germline.
Comment: The p.D512A variant (also known as c.1535A>C), located in coding exon 6 of the KCND3 gene, results from an A to C substitution at nucleotide position 1535. The aspartic acid at codon 512 is replaced by alanine, an amino acid with dissimilar properties. This variant was reported in an individual with progressive myoclonus epilepsy, who also had additional variants detected, including a novel homozygous NHLRC1 variant (Muona M et al. Nat Genet, 2015 Jan;47:39-46). This amino acid position is highly conserved in available vertebrate species. In addition, this alteration is predicted to be deleterious by in silico analysis. Since supporting evidence is limited at this time, the clinical significance of this alteration remains unclear.

Literature cited by the submitters: PubMed 25401298 (cited by Ambry Genetics).